The following is an entry in ClinVar:

NM_001754.5(RUNX1):c.*3588G>C

Gene: RUNX1 (RUNX family transcription factor 1; minus strand). Cytogenetic location: 21q22.12.
Variant type: single nucleotide variant.
Coding change: c.*3588G>C on transcript NM_001754.5 (MANE Select); 3588 bases downstream of the stop codon, G replaced by C.
Molecular consequence: 3 prime UTR variant.
Genome position (GRCh38, 1-based): chr21:34,788,547, C>G on the plus strand (G>C on the coding strand, the complement: RUNX1 is on the minus strand). VCF-style: chr21-34788547-C-G. GRCh37 (hg19) VCF-style: chr21-36160844-C-G.
Other names: c.*3588G>C (NM_001001890.3).
Identifiers: ClinVar variation 339803 (VCV000339803.6), dbSNP rs886057031, ClinGen allele CA10650411.

ClinVar aggregate classification (germline): Uncertain significance. Review status: reviewed by expert panel (3 of 4 stars). 2 submissions from 2 submitters: Uncertain significance (1). 1 of the submissions does not count toward it. Last evaluated 2024-09-30.

Conditions:
Hereditary thrombocytopenia and hematologic cancer predisposition syndrome. Identifiers: Orphanet 71290, MedGen CN281654, MONDO:0011071.
Hereditary thrombocytopenia and hematological cancer predisposition syndrome associated with RUNX1. Also called: PLATELET DISORDER, ASPIRIN-LIKE; RUNX1 Familial Platelet Disorder with Associated Myeloid Malignancies; Familial Platelet Disorder with Propensity to Acute Myelogenous Leukemia; Familial thrombocytopenia with propensity to acute myelogenous leukemia. Identifiers: Orphanet 71290, MedGen C1832388, MeSH C563324, MONDO:0100083, OMIM 601399.

Allele frequency attached by ClinVar (database versions not stated): gnomAD 0.00001; TOPMed 0.00001; gnomAD exomes 0.00007.
gnomAD v4.1: 6 of 232,576 alleles (0.0026%); highest among the groups gnomAD compares: East Asian, 0.037%; no homozygotes.

Submissions (2):

ClinGen Myeloid Malignancy Variant Curation Expert Panel
Classification: Uncertain significance for Hereditary thrombocytopenia and hematologic cancer predisposition syndrome. Last evaluated: 2024-09-30. Review status: reviewed by expert panel. Criteria: ClinGen MyeloMalig ACMG Specifications v2. Collection method: curation. Allele origin: germline. Inheritance: Autosomal dominant inheritance.
Comment: NM_001754.5(RUNX1):c.*3588G>C is a UTR variant is which completely absent from all population databases with at least 20x coverage for RUNX1 (PM2_Supporting). In summary, the clinical significance of this variant is uncertain. ACMG/AMP criteria applied, as specified by the Myeloid Malignancy Variant Curation Expert Panel for RUNX1: PM2_supporting.

Illumina Laboratory Services, Illumina
Classification: Uncertain significance for Hereditary thrombocytopenia and hematological cancer predisposition syndrome associated with RUNX1. Last evaluated: 2018-01-13. Review status: criteria provided, single submitter. Criteria: ICSL Variant Classification Criteria 13 December 2019. Collection method: clinical testing. Allele origin: germline. Not counted in ClinVar's aggregate classification.